The following is an entry in ClinVar:

NM_020745.4(AARS2):c.907C>A (p.Pro303Thr)

Gene: AARS2 (alanyl-tRNA synthetase 2, mitochondrial; minus strand). Cytogenetic location: 6p21.1.
Variant type: single nucleotide variant.
Coding change: c.907C>A on transcript NM_020745.4 (MANE Select); coding-DNA position 907, C replaced by A.
Protein change: p.Pro303Thr; replaces proline 303 with threonine.
Molecular consequence: missense variant.
Genome position (GRCh38, 1-based): chr6:44,307,382, G>T on the plus strand (C>A on the coding strand, the complement: AARS2 is on the minus strand). VCF-style: chr6-44307382-G-T. GRCh37 (hg19) VCF-style: chr6-44275119-G-T.
Other names: short protein forms P303T.
Identifiers: ClinVar variation 1708963 (VCV001708963.18), dbSNP rs1269240210, ClinGen allele CA364340388.

ClinVar aggregate classification (germline): Uncertain significance. Review status: criteria provided, multiple submitters, no conflicts (2 of 4 stars). 2 submissions from 2 submitters: Uncertain significance (2). Last evaluated 2024-08-01.

Conditions:
Leukoencephalopathy, progressive, with ovarian failure (LKENP). Identifiers: Orphanet 99853, MedGen C4014588, MONDO:0014387, OMIM 615889.

Allele frequency attached by ClinVar (database versions not stated): gnomAD 0.00001; TOPMed below 0.00001.
gnomAD v4.1: 4 of 1,605,146 alleles (0.00025%); highest among the groups gnomAD compares: Middle Eastern, 0.016%; no homozygotes.

Submissions (2):

CeGaT Center for Human Genetics Tuebingen
Classification: Uncertain significance. Last evaluated: 2024-08-01. Review status: criteria provided, single submitter. Criteria: CeGaT Center For Human Genetics Tuebingen Variant Classification Criteria Version 2. Collection method: clinical testing. Allele origin: germline. Affected: yes. Observed: 1 variant allele.
Comment: AARS2: PM2, PM3:Supporting, BP4

MGZ Medical Genetics Center
Classification: Uncertain significance for Leukoencephalopathy, progressive, with ovarian failure. Last evaluated: 2021-11-25. Review status: criteria provided, single submitter. Criteria: ACMG Guidelines, 2015. Collection method: clinical testing. Allele origin: germline. Affected: yes. Observed: 1 variant allele.
Comment: ACMG criteria applied: PM2_SUP